The following is an entry in ClinVar:

ClinVar aggregate classification (germline): Benign/Likely benign. Review status: criteria provided, multiple submitters, no conflicts (2 of 4 stars). 4 submissions from 4 submitters: Benign (1); Likely benign (3). Last evaluated 2024-07-24.

Conditions:
Hereditary cancer-predisposing syndrome. Also called: Hereditary Cancer Syndrome; Neoplastic Syndromes, Hereditary; Tumor predisposition; Hereditary neoplastic syndrome. Identifiers: Orphanet 140162, MedGen C0027672, MeSH D009386, MONDO:0015356.
Familial cancer of breast. Also called: BREAST CANCER, FAMILIAL; hereditary breast carcinoma; Hereditary breast cancer. Identifiers: Orphanet 227535, MedGen C0346153, MONDO:0016419, OMIM 114480. Disease mechanism: loss of function.

Submissions (4):

Myriad Genetics, Inc.
Classification: Benign for Familial cancer of breast. Last evaluated: 2024-07-24. Review status: criteria provided, single submitter. Criteria: Myriad Autosomal Dominant, Autosomal Recessive and X-Linked Classification Criteria (2023). Collection method: clinical testing. Allele origin: unknown.
Comment: This variant is considered benign. This variant is a silent/synonymous amino acid change and it is not expected to impact splicing.

Labcorp Genetics (formerly Invitae), Labcorp
Classification: Likely benign for Familial cancer of breast. Last evaluated: 2021-02-12. Review status: criteria provided, single submitter. Criteria: Invitae Variant Classification Sherloc (09022015). Collection method: clinical testing. Allele origin: germline.

Ambry Genetics
Classification: Likely benign for Hereditary cancer-predisposing syndrome. Last evaluated: 2020-03-16. Review status: criteria provided, single submitter. Criteria: Ambry Variant Classification Scheme 2023. Collection method: clinical testing. Allele origin: germline.

GeneDx
Classification: Likely benign. Last evaluated: 2018-01-22. Review status: criteria provided, single submitter. Criteria: GeneDx Variant Classification (06012015). Collection method: clinical testing. Allele origin: germline. Affected: yes.
Comment: This variant is considered likely benign or benign based on one or more of the following criteria: it is a conservative change, it occurs at a poorly conserved position in the protein, it is predicted to be benign by multiple in silico algorithms, and/or has population frequency not consistent with disease.

NM_000465.4(BARD1):c.1074A>G (p.Pro358=)

Gene: BARD1 (BRCA1 associated RING domain 1; minus strand). Cytogenetic location: 2q35.
Variant type: single nucleotide variant.
Coding change: c.1074A>G on transcript NM_000465.4 (MANE Select); coding-DNA position 1074, A replaced by G.
Protein change: p.Pro358=; no amino-acid change (proline 358 retained).
Molecular consequence: synonymous variant. On other transcripts: non-coding transcript variant (2), intron variant (3).
Genome position (GRCh38, 1-based): chr2:214,780,800, T>C on the plus strand (A>G on the coding strand, the complement: BARD1 is on the minus strand). VCF-style: chr2-214780800-T-C. GRCh37 (hg19) VCF-style: chr2-215645524-T-C.
Other names: c.1017A>G, p.Pro339= (NM_001282543.2); c.159-28245A>G (NM_001282548.2); c.215+16261A>G (NM_001282545.2); c.364+11497A>G (NM_001282549.2).
Identifiers: ClinVar variation 515058 (VCV000515058.14), dbSNP rs1553622258, ClinGen allele CA431392320.